The following is an entry in ClinVar:

NM_000179.3(MSH6):c.1260C>T (p.Asn420=)

Gene: MSH6 (mutS homolog 6; plus strand). Cytogenetic location: 2p16.3.
Variant type: single nucleotide variant.
Coding change: c.1260C>T on transcript NM_000179.3 (MANE Select); coding-DNA position 1260, C replaced by T.
Protein change: p.Asn420=; no amino-acid change (asparagine 420 retained).
Molecular consequence: synonymous variant.
Genome position (GRCh38, 1-based): chr2:47,799,243, C>T. VCF-style: chr2-47799243-C-T. GRCh37 (hg19) VCF-style: chr2-48026382-C-T.
Other names: c.870C>T, p.Asn290= (NM_001281492.2); c.354C>T, p.Asn118= (NM_001281493.2, NM_001281494.2).
Identifiers: ClinVar variation 428373 (VCV000428373.11), dbSNP rs1114167752, ClinGen allele CA426120881.

ClinVar aggregate classification (germline): Benign/Likely benign. Review status: criteria provided, multiple submitters, no conflicts (2 of 4 stars). 3 submissions from 3 submitters: Benign (1); Likely benign (2). Last evaluated 2025-11-23.

Conditions:
Hereditary cancer-predisposing syndrome. Also called: Hereditary Cancer Syndrome; Neoplastic Syndromes, Hereditary; Hereditary neoplastic syndrome; Tumor predisposition. Identifiers: Orphanet 140162, MedGen C0027672, MeSH D009386, MONDO:0015356.
Hereditary nonpolyposis colorectal neoplasms. Identifiers: MedGen C0009405, MeSH D003123.
Lynch syndrome 5 (LYNCH5). Also called: Hereditary non-polyposis colorectal cancer, type 5; Colorectal cancer, hereditary nonpolyposis, type 5. Identifiers: Orphanet 144, MedGen C1833477, MONDO:0013710, OMIM 614350. Disease mechanism: loss of function.

Submissions (3):

Labcorp Genetics (formerly Invitae), Labcorp
Classification: Likely benign for Hereditary nonpolyposis colorectal neoplasms. Last evaluated: 2025-11-23. Review status: criteria provided, single submitter. Criteria: Invitae Variant Classification Sherloc (09022015). Collection method: clinical testing. Allele origin: germline.

Myriad Genetics, Inc.
Classification: Benign for Lynch syndrome 5. Last evaluated: 2024-12-23. Review status: criteria provided, single submitter. Criteria: Myriad Autosomal Dominant, Autosomal Recessive and X-Linked Classification Criteria (2023). Collection method: clinical testing. Allele origin: unknown.
Comment: This variant is considered benign. This variant is a silent/synonymous amino acid change and it is not expected to impact splicing.

Ambry Genetics
Classification: Likely benign for Hereditary cancer-predisposing syndrome. Last evaluated: 2014-12-31. Review status: criteria provided, single submitter. Criteria: Ambry Variant Classification Scheme 2023. Collection method: clinical testing. Allele origin: germline.